The following is an entry in ClinVar:

NM_145046.5(CALR3):c.39G>C (p.Met13Ile)

Gene: CALR3 (calreticulin 3; minus strand). Cytogenetic location: 19p13.11.
Variant type: single nucleotide variant.
Coding change: c.39G>C on transcript NM_145046.5 (MANE Select); coding-DNA position 39, G replaced by C.
Protein change: p.Met13Ile; replaces methionine 13 with isoleucine.
Molecular consequence: missense variant.
Genome position (GRCh38, 1-based): chr19:16,496,091, C>G on the plus strand (G>C on the coding strand, the complement: CALR3 is on the minus strand). VCF-style: chr19-16496091-C-G. GRCh37 (hg19) VCF-style: chr19-16606902-C-G.
Other names: short protein forms M13I.
Identifiers: ClinVar variation 956377 (VCV000956377.1), dbSNP rs1022237662, ClinGen allele CA404617641.
Genomic context (GRCh38, chr19:16,496,091, plus strand): 5'-CCCTTCACCTCCGTCTAGAAATTCCTCTTGGAAATAGACGGTAGCCAGCGCCACTCGCAG[C>G]ATGCATATGGCCCAGAGCTGGACCAAAGCCCGGGCCATGGGGGTGTGCACTGCGCTTCCG-3'
Protein context (NP_659483.2, residues 3-23): RALVQLWAIC[Met13Ile]LRVALATVYF

ClinVar aggregate classification (germline): Uncertain significance (1 of 4 stars; one submission).

Conditions:
Hypertrophic cardiomyopathy 19. Also called: Familial hypertrophic cardiomyopathy 19. Identifiers: MedGen CN077603, MONDO:0013476.

Submission:

Labcorp Genetics (formerly Invitae), Labcorp
Classification: Uncertain significance for Familial hypertrophic cardiomyopathy 19. Last evaluated: 2019-08-05. Review status: criteria provided, single submitter. Criteria: Invitae Variant Classification Sherloc (09022015). Collection method: clinical testing. Allele origin: germline.
Comment: This sequence change replaces methionine with isoleucine at codon 13 of the CALR3 protein (p.Met13Ile). The methionine residue is weakly conserved and there is a small physicochemical difference between methionine and isoleucine. This variant is not present in population databases (ExAC no frequency). This variant has not been reported in the literature in individuals with CALR3-related conditions. Algorithms developed to predict the effect of missense changes on protein structure and function (SIFT, PolyPhen-2, Align-GVGD) all suggest that this variant is likely to be tolerated, but these predictions have not been confirmed by published functional studies and their clinical significance is uncertain. In summary, the available evidence is currently insufficient to determine the role of this variant in disease. Therefore, it has been classified as a Variant of Uncertain Significance.